The following is an entry in ClinVar:

NM_173842.3(IL1RN):c.*958C>T

Gene: IL1RN (interleukin 1 receptor antagonist; plus strand). Cytogenetic location: 2q14.1.
Variant type: single nucleotide variant.
Coding change: c.*958C>T on transcript NM_173842.3 (MANE Select); 958 bases downstream of the stop codon, C replaced by T.
Molecular consequence: 3 prime UTR variant.
Genome position (GRCh38, 1-based): chr2:113,133,829, C>T. VCF-style: chr2-113133829-C-T. GRCh37 (hg19) VCF-style: chr2-113891406-C-T.
Other names: c.*958C>T (NM_000577.5, NM_001318914.2, NM_001379360.1 and 2 more transcripts).
Identifiers: ClinVar variation 330844 (VCV000330844.5), dbSNP rs370000982, ClinGen allele CA10611857.

ClinVar aggregate classification (germline): Benign (1 of 4 stars; one submission).

Conditions:
Sterile multifocal osteomyelitis with periostitis and pustulosis. Also called: CHRONIC RECURRENT MULTIFOCAL OSTEOMYELITIS 2, WITH PERIOSTITIS AND PUSTULOSIS. Identifiers: Orphanet 210115, MedGen C2748507, MONDO:0013021, OMIM 612852.

Allele frequency attached by ClinVar (database versions not stated): gnomAD 0.00004 and 0.00074; TOPMed 0.00014; 1000 Genomes Project 0.00399; 1000 Genomes Project 30x 0.00406.

Submission:

Illumina Laboratory Services, Illumina
Classification: Benign for Sterile multifocal osteomyelitis with periostitis and pustulosis. Last evaluated: 2018-01-12. Review status: criteria provided, single submitter. Criteria: ICSL Variant Classification Criteria 13 December 2019. Collection method: clinical testing. Allele origin: germline.
Comment: This variant was observed in the ICSL laboratory as part of a predisposition screen in an ostensibly healthy population. It had not been previously curated by ICSL or reported in the Human Gene Mutation Database (HGMD: prior to June 1st, 2018), and was therefore a candidate for classification through an automated scoring system. Utilizing variant allele frequency, disease prevalence and penetrance estimates, and inheritance mode, an automated score was calculated to assess if this variant is too frequent to cause the disease. Based on the score and internal cut-off values, a variant classified as benign is not then subjected to further curation. The score for this variant resulted in a classification of benign for this disease.